The following is an entry in ClinVar:

ClinVar aggregate classification (germline): Uncertain significance (1 of 4 stars; one submission).

Submission:

Labcorp Genetics (formerly Invitae), Labcorp
Classification: Uncertain significance. Last evaluated: 2024-03-21. Review status: criteria provided, single submitter. Criteria: Invitae Variant Classification Sherloc (09022015). Collection method: clinical testing. Allele origin: germline.
Comment: This sequence change replaces lysine, which is basic and polar, with glutamic acid, which is acidic and polar, at codon 784 of the SIN3A protein (p.Lys784Glu). This variant is not present in population databases (gnomAD no frequency). This variant has not been reported in the literature in individuals affected with SIN3A-related conditions. Advanced modeling of protein sequence and biophysical properties (such as structural, functional, and spatial information, amino acid conservation, physicochemical variation, residue mobility, and thermodynamic stability) performed at Invitae indicates that this missense variant is not expected to disrupt SIN3A protein function with a negative predictive value of 80%. In summary, the available evidence is currently insufficient to determine the role of this variant in disease. Therefore, it has been classified as a Variant of Uncertain Significance.

NM_001145358.2(SIN3A):c.2350A>G (p.Lys784Glu)

Gene: SIN3A (SIN3 transcription regulator family member A; minus strand). Cytogenetic location: 15q24.2.
Variant type: single nucleotide variant.
Coding change: c.2350A>G on transcript NM_001145358.2 (MANE Select); coding-DNA position 2350, A replaced by G.
Protein change: p.Lys784Glu; replaces lysine 784 with glutamic acid.
Molecular consequence: missense variant.
Genome position (GRCh38, 1-based): chr15:75,392,743, T>C on the plus strand (A>G on the coding strand, the complement: SIN3A is on the minus strand). VCF-style: chr15-75392743-T-C. GRCh37 (hg19) VCF-style: chr15-75685084-T-C.
Other names: c.2350A>G, p.Lys784Glu (NM_001145357.2, NM_015477.3); short protein forms K784E.
Identifiers: ClinVar variation 3616503 (VCV003616503.2).